The following is an entry in ClinVar:

NM_024664.4(PPCS):c.37C>A (p.Pro13Thr)

Genes: CCDC30 (coiled-coil domain containing 30; plus strand), PPCS (phosphopantothenoylcysteine synthetase; plus strand). Cytogenetic location: 1p34.2.
Variant type: single nucleotide variant.
Coding change: c.37C>A on transcript NM_024664.4 (MANE Select); coding-DNA position 37, C replaced by A.
Protein change: p.Pro13Thr; replaces proline 13 with threonine.
Molecular consequence: missense variant. On other transcripts: 5 prime UTR variant (3), intron variant (4).
Genome position (GRCh38, 1-based): chr1:42,456,602, C>A. VCF-style: chr1-42456602-C-A. GRCh37 (hg19) VCF-style: chr1-42922273-C-A.
Other names: c.-38C>A (NM_001077447.3); c.-134C>A (NM_001287508.2); c.-656C>A (NM_001287510.2); c.37C>A, p.Pro13Thr (NM_001287511.2); c.-984+103C>A (NM_001355226.2); c.-328+103C>A (NM_001287507.1); c.-12+103C>A (NM_001287506.1); c.-12+19C>A (NM_001287509.2); short protein forms P13T.
Identifiers: ClinVar variation 1899788 (VCV001899788.3), dbSNP rs1303184999, ClinGen allele CA339943536.

ClinVar aggregate classification (germline): Uncertain significance (1 of 4 stars; one submission).

Allele frequency attached by ClinVar (database versions not stated): gnomAD exomes below 0.00001.
gnomAD v4.1: 6 of 1,514,048 alleles (0.0004%); highest among the groups gnomAD compares: Non-Finnish European, 0.00053%; no homozygotes.

Submission:

Labcorp Genetics (formerly Invitae), Labcorp
Classification: Uncertain significance. Last evaluated: 2023-01-16. Review status: criteria provided, single submitter. Criteria: Invitae Variant Classification Sherloc (09022015). Collection method: clinical testing. Allele origin: germline.
Comment: In summary, the available evidence is currently insufficient to determine the role of this variant in disease. Therefore, it has been classified as a Variant of Uncertain Significance. Advanced modeling of protein sequence and biophysical properties (such as structural, functional, and spatial information, amino acid conservation, physicochemical variation, residue mobility, and thermodynamic stability) performed at Invitae indicates that this missense variant is not expected to disrupt PPCS protein function. This variant has not been reported in the literature in individuals affected with PPCS-related conditions. The frequency data for this variant in the population databases is considered unreliable, as metrics indicate poor data quality at this position in the gnomAD database. This sequence change replaces proline, which is neutral and non-polar, with threonine, which is neutral and polar, at codon 13 of the PPCS protein (p.Pro13Thr).